The following is an entry in ClinVar:

ClinVar aggregate classification (germline): Uncertain significance (1 of 4 stars; one submission).

Conditions:
Inborn genetic diseases. Identifiers: MedGen C0950123, MeSH D030342.

Submission:

Ambry Genetics
Classification: Uncertain significance for Inborn genetic diseases. Last evaluated: 2020-02-13. Review status: criteria provided, single submitter. Criteria: Ambry Variant Classification Scheme 2023. Collection method: clinical testing. Allele origin: germline.
Comment: The c.2209-9_2209-6delTCCC variant is located 6 to 9 nucleotides upstream from coding exon 13 in the TRPV4 gene. This variant results from a deletion of 4 nucleotides at positions c.2209-9 to c.2209-6. These nucleotide positions are not well conserved in available vertebrate species. Using the BDGP and ESEfinder splice site prediction tools, this alteration is predicted to weaken the efficiency of the native splice acceptor site; however, direct evidence is unavailable. Since supporting evidence is limited at this time, the clinical significance of this alteration remains unclear.

NM_021625.5(TRPV4):c.2209-9_2209-6del

Gene: TRPV4 (transient receptor potential cation channel subfamily V member 4; minus strand). Cytogenetic location: 12q24.11.
Variant type: Microsatellite.
Coding change: c.2209-9_2209-6del on transcript NM_021625.5 (MANE Select); 9 bases into the intron before coding-DNA position 2209 through 6 bases into the intron before coding-DNA position 2209, 4 bases deleted (TCCC; older notation c.2209-9_2209-6delTCCC).
Molecular consequence: intron variant.
Genome position (GRCh38, 1-based): chr12:109,786,843-109,786,846, GGGA deleted on the plus strand (TCCC on the coding strand, the reverse complement: TRPV4 is on the minus strand); deleting any 4 consecutive bases within chr12:109,786,843-109,786,853 gives the same sequence; the c. name uses the placement nearest the transcript's 3' end. VCF-style (leftmost placement, unchanged base first): chr12-109786842-GGGGA-G. GRCh37 (hg19) VCF-style: chr12-110224647-GGGGA-G.
Other names: c.1888-9_1888-6del (NM_001177433.1); c.2068-9_2068-6del (NM_001177428.1); c.2029-9_2029-6del (NM_147204.2); c.2107-9_2107-6del (NM_001177431.1).
Identifiers: ClinVar variation 1787728 (VCV001787728.2), dbSNP rs2548714353, ClinGen allele CA2580614554.